The following is an entry in ClinVar:

ClinVar aggregate classification (germline): Uncertain significance (0 of 4 stars; one submission).

Conditions:
PLXNA3-related disorder. Also called: PLXNA3-related condition.

Submission:

PreventionGenetics, part of Exact Sciences
Classification: Uncertain significance for PLXNA3-related condition. Last evaluated: 2024-08-15. Review status: no assertion criteria provided. Collection method: clinical testing. Allele origin: germline.
Comment: The PLXNA3 c.3466G>A variant is predicted to result in the amino acid substitution p.Ala1156Thr. To our knowledge, this variant has not been reported in the literature or in a large population database, indicating this variant is rare. At this time, the clinical significance of this variant is uncertain due to the absence of conclusive functional and genetic evidence.

NM_017514.5(PLXNA3):c.3466G>A (p.Ala1156Thr)

Gene: PLXNA3 (plexin A3; plus strand). Cytogenetic location: Xq28.
Variant type: single nucleotide variant.
Coding change: c.3466G>A on transcript NM_017514.5 (MANE Select); coding-DNA position 3466, G replaced by A.
Protein change: p.Ala1156Thr; replaces alanine 1156 with threonine.
Molecular consequence: missense variant.
Genome position (GRCh38, 1-based): chrX:154,467,569, G>A. VCF-style: chrX-154467569-G-A. GRCh37 (hg19) VCF-style: chrX-153695912-G-A.
Other names: short protein forms A1156T.
Identifiers: ClinVar variation 3344031 (VCV003344031.1).